The following is an entry in ClinVar:

NM_001103.4(ACTN2):c.1476A>T (p.Arg492=)

Gene: ACTN2 (actinin alpha 2; plus strand). Cytogenetic location: 1q43.
Variant type: single nucleotide variant.
Coding change: c.1476A>T on transcript NM_001103.4 (MANE Select); coding-DNA position 1476, A replaced by T.
Protein change: p.Arg492=; no amino-acid change (arginine 492 retained).
Molecular consequence: synonymous variant.
Genome position (GRCh38, 1-based): chr1:236,747,736, A>T. VCF-style: chr1-236747736-A-T. GRCh37 (hg19) VCF-style: chr1-236911036-A-T.
Other names: c.1476A>T, p.Arg492= (NM_001278343.2); c.852A>T, p.Arg284= (NM_001278344.2).
Identifiers: ClinVar variation 43910 (VCV000043910.20), dbSNP rs397516569, ClinGen allele CA133139.

ClinVar aggregate classification (germline): Likely benign. Review status: criteria provided, multiple submitters, no conflicts (2 of 4 stars). 5 submissions from 5 submitters: Likely benign (5). Last evaluated 2026-02-12.

Conditions:
ACTN2-related disorder. Also called: ACTN2 related condition; ACTN2-related disorders.
Cardiovascular phenotype. Identifiers: MedGen CN230736.
Dilated cardiomyopathy 1AA (CMD1AA). Also called: Cardiomyopathy, dilated, 1AA, with or without LVNC; CARDIOMYOPATHY, DILATED, 1AA, WITH OR WITHOUT LEFT VENTRICULAR NONCOMPACTION; CARDIOMYOPATHY, FAMILIAL HYPERTROPHIC, 23, WITH OR WITHOUT LEFT VENTRICULAR NONCOMPACTION. Identifiers: Orphanet 154, MedGen C2677338, MONDO:0012808, OMIM 612158.
Primary familial hypertrophic cardiomyopathy (HCM). Identifiers: Orphanet 99739, MedGen C0949658, MeSH D024741, MONDO:0024573. Inheritance: Various modes of inheritance.

Allele frequency attached by ClinVar (database versions not stated): ExAC 0.00002; gnomAD exomes 0.00002; TOPMed 0.00004; gnomAD 0.00005.
gnomAD v4.1: 85 of 1,614,072 alleles (0.0053%); highest among the groups gnomAD compares: Non-Finnish European, 0.0069%; no homozygotes.

Submissions (5):

PreventionGenetics, part of Exact Sciences
Classification: Likely benign for ACTN2-related condition. Last evaluated: 2026-02-12. Review status: criteria provided, single submitter. Criteria: ACMG Guidelines, 2015. Collection method: clinical testing. Allele origin: germline.
Comment: This variant is classified as likely benign based on ACMG/AMP sequence variant interpretation guidelines (Richards et al. 2015 PMID: 25741868, with internal and published modifications).

Labcorp Genetics (formerly Invitae), Labcorp
Classification: Likely benign for Primary familial hypertrophic cardiomyopathy; Dilated cardiomyopathy 1AA. Last evaluated: 2026-01-25. Review status: criteria provided, single submitter. Criteria: Invitae Variant Classification Sherloc (09022015). Collection method: clinical testing. Allele origin: germline.

Ambry Genetics
Classification: Likely benign for Cardiovascular phenotype. Last evaluated: 2020-09-09. Review status: criteria provided, single submitter. Criteria: Ambry Variant Classification Scheme 2023. Collection method: clinical testing. Allele origin: germline.

GeneDx
Classification: Likely benign. Last evaluated: 2019-04-26. Review status: criteria provided, single submitter. Criteria: GeneDx Variant Classification Process June 2021. Collection method: clinical testing. Allele origin: germline. Affected: yes.

Laboratory for Molecular Medicine, Mass General Brigham Personalized Medicine
Classification: Likely benign. Last evaluated: 2012-04-19. Review status: criteria provided, single submitter. Criteria: LMM Criteria. Collection method: clinical testing. Allele origin: germline. Observed: 1 variant allele.
Comment: Arg492Arg in Exon 13 of ACTN2: This variant is not expected to have clinical sig nificance because it does not alter an amino acid residue and is not located wit hin the splice consensus sequence. It has been identified in 1/7020 European Ame rican chromosomes from a broad population by the NHLBI Exome Sequencing Project. Arg492Arg in Exon 13 of ACTN2 (allele freq uency= 1/7020) **